The following is an entry in ClinVar:

NM_020919.4(ALS2):c.2980A>C (p.Thr994Pro)

Gene: ALS2 (alsin Rho guanine nucleotide exchange factor ALS2; minus strand). Cytogenetic location: 2q33.1.
Variant type: single nucleotide variant.
Coding change: c.2980A>C on transcript NM_020919.4 (MANE Select); coding-DNA position 2980, A replaced by C.
Protein change: p.Thr994Pro; replaces threonine 994 with proline.
Molecular consequence: missense variant.
Genome position (GRCh38, 1-based): chr2:201,726,866, T>G on the plus strand (A>C on the coding strand, the complement: ALS2 is on the minus strand). VCF-style: chr2-201726866-T-G. GRCh37 (hg19) VCF-style: chr2-202591589-T-G.
Other names: short protein forms T994P.
Identifiers: ClinVar variation 841214 (VCV000841214.10), dbSNP rs1359312602, ClinGen allele CA350321465.

ClinVar aggregate classification (germline): Uncertain significance. Review status: criteria provided, multiple submitters, no conflicts (2 of 4 stars). 2 submissions from 2 submitters: Uncertain significance (2). Last evaluated 2026-02-27.

Conditions:
Infantile-onset ascending hereditary spastic paralysis (IAHSP). Also called: Infantile-Onset Ascending Hereditary Spastic Paralysis (IAHSP); Autosomal Recessive Juvenile Amyotrophic Lateral Sclerosis. Identifiers: Orphanet 293168, MedGen C2931441, MONDO:0011797, OMIM 607225. Disease mechanism: loss of function.

Submissions (2):

GeneDx
Classification: Uncertain significance. Last evaluated: 2026-02-27. Review status: criteria provided, single submitter. Criteria: GeneDx Variant Classification Process June 2021. Collection method: clinical testing. Allele origin: germline.
Comment: Not observed at significant frequency in large population cohorts (gnomAD); In silico analysis supports that this missense variant has a deleterious effect on protein structure/function; Has not been previously published as pathogenic or benign to our knowledge

Labcorp Genetics (formerly Invitae), Labcorp
Classification: Uncertain significance for Infantile-onset ascending hereditary spastic paralysis. Last evaluated: 2019-04-02. Review status: criteria provided, single submitter. Criteria: Invitae Variant Classification Sherloc (09022015). Collection method: clinical testing. Allele origin: germline.
Comment: In summary, the available evidence is currently insufficient to determine the role of this variant in disease. Therefore, it has been classified as a Variant of Uncertain Significance. Algorithms developed to predict the effect of sequence changes on RNA splicing suggest that this variant may disrupt the consensus splice site, but this prediction has not been confirmed by published transcriptional studies. Algorithms developed to predict the effect of missense changes on protein structure and function are either unavailable or do not agree on the potential impact of this missense change (SIFT: "Tolerated"; PolyPhen-2: "Possibly Damaging"; Align-GVGD: "Class C0"). This variant has not been reported in the literature in individuals with ALS2-related conditions. This variant is not present in population databases (ExAC no frequency). This sequence change replaces threonine with proline at codon 994 of the ALS2 protein (p.Thr994Pro). The threonine residue is moderately conserved and there is a small physicochemical difference between threonine and proline.